The following is an entry in ClinVar:

ClinVar aggregate classification (germline): Uncertain significance (1 of 4 stars; one submission).

Conditions:
NR0B2-related disorder. Also called: NR0B2-related condition.

Allele frequency attached by ClinVar (database versions not stated): ExAC 0.00002; gnomAD exomes 0.00007; TOPMed 0.00007; ESP Exome Variant Server 0.00008.
gnomAD v4.1: 111 of 1,614,110 alleles (0.0069%); highest among the groups gnomAD compares: Middle Eastern, 0.099%; no homozygotes.

Submission:

PreventionGenetics, part of Exact Sciences
Classification: Uncertain significance for NR0B2-related condition. Last evaluated: 2026-09-21. Review status: criteria provided, single submitter. Criteria: ACMG Guidelines, 2015. Collection method: clinical testing. Allele origin: germline.
Comment: The NR0B2 c.638G>A variant is predicted to result in the amino acid substitution p.Arg213His. To our knowledge, this variant has not been reported in the literature. An alternate missense variant affecting this residue (p.Arg213Cys) has been reported in at least one individual with obesity (Nishigori et al. 2001. PubMed ID: 11136233; Enya et al. 2008. PubMed ID: 18781616) and functional studies found it impacts protein function (Boulias et al. 2004. PubMed ID: 15550569). This variant is reported in 0.0054% of alleles in individuals of European (Non-Finnish) descent in gnomAD. At this time, the clinical significance of this variant is uncertain due to the absence of conclusive functional and genetic evidence.

NM_021969.3(NR0B2):c.638G>A (p.Arg213His)

Genes: NR0B2 (nuclear receptor subfamily 0 group B member 2; minus strand), NUDC (nuclear distribution C, dynein complex regulator; plus strand). Cytogenetic location: 1p36.11.
Variant type: single nucleotide variant.
Coding change: c.638G>A on transcript NM_021969.3 (MANE Select); coding-DNA position 638, G replaced by A.
Protein change: p.Arg213His; replaces arginine 213 with histidine.
Molecular consequence: missense variant.
Genome position (GRCh38, 1-based): chr1:26,911,981, C>T on the plus strand (G>A on the coding strand, the complement: NR0B2 is on the minus strand). VCF-style: chr1-26911981-C-T. GRCh37 (hg19) VCF-style: chr1-27238472-C-T.
Other names: short protein forms R213H.
Identifiers: ClinVar variation 2631992 (VCV002631992.4), dbSNP rs367827644, ClinGen allele CA709564.